The following is an entry in ClinVar:

NM_001080517.3(SETD5):c.1322G>A (p.Arg441His)

Gene: SETD5 (SET domain containing 5; plus strand). Cytogenetic location: 3p25.3.
Variant type: single nucleotide variant.
Coding change: c.1322G>A on transcript NM_001080517.3 (MANE Select); coding-DNA position 1322, G replaced by A.
Protein change: p.Arg441His; replaces arginine 441 with histidine.
Molecular consequence: missense variant.
Genome position (GRCh38, 1-based): chr3:9,445,182, G>A. VCF-style: chr3-9445182-G-A. GRCh37 (hg19) VCF-style: chr3-9486866-G-A.
Other names: c.1028G>A, p.Arg343His (NM_001292043.2, NM_001349451.2); short protein forms R441H, R343H.
Identifiers: ClinVar variation 1970524 (VCV001970524.5), dbSNP rs771885656, ClinGen allele CA2239136.

ClinVar aggregate classification (germline): Uncertain significance (1 of 4 stars; one submission).

Allele frequency attached by ClinVar (database versions not stated): TOPMed below 0.00001; ExAC 0.00001; gnomAD 0.00001; gnomAD exomes 0.00001.
gnomAD v4.1: 4 of 1,613,878 alleles (0.00025%); highest among the groups gnomAD compares: Admixed American, 0.0033%; no homozygotes.

Submission:

Labcorp Genetics (formerly Invitae), Labcorp
Classification: Uncertain significance. Last evaluated: 2024-10-06. Review status: criteria provided, single submitter. Criteria: Invitae Variant Classification Sherloc (09022015). Collection method: clinical testing. Allele origin: germline.
Comment: This sequence change replaces arginine, which is basic and polar, with histidine, which is basic and polar, at codon 441 of the SETD5 protein (p.Arg441His). This variant is present in population databases (rs771885656, gnomAD 0.006%). This variant has not been reported in the literature in individuals affected with SETD5-related conditions. ClinVar contains an entry for this variant (Variation ID: 1970524). Invitae Evidence Modeling of protein sequence and biophysical properties (such as structural, functional, and spatial information, amino acid conservation, physicochemical variation, residue mobility, and thermodynamic stability) indicates that this missense variant is expected to disrupt SETD5 protein function with a positive predictive value of 80%. In summary, the available evidence is currently insufficient to determine the role of this variant in disease. Therefore, it has been classified as a Variant of Uncertain Significance.